The following is an entry in ClinVar:

ClinVar aggregate classification (germline): Likely benign (1 of 4 stars; one submission).

Allele frequency attached by ClinVar (database versions not stated): TOPMed below 0.00001; ExAC 0.00001; gnomAD 0.00001; gnomAD exomes 0.00001.
gnomAD v4.1: 4 of 1,612,528 alleles (0.00025%); highest among the groups gnomAD compares: South Asian, 0.0044%; no homozygotes.

Submission:

CeGaT Center for Human Genetics Tuebingen
Classification: Likely benign. Last evaluated: 2023-08-01. Review status: criteria provided, single submitter. Criteria: CeGaT Center For Human Genetics Tuebingen Variant Classification Criteria Version 2. Collection method: clinical testing. Allele origin: germline. Affected: yes. Observed: 1 variant allele.
Comment: HGF: BP4, BP7

NM_000601.6(HGF):c.1035G>A (p.Lys345=)

Gene: HGF (hepatocyte growth factor; minus strand). Cytogenetic location: 7q21.11.
Variant type: single nucleotide variant.
Coding change: c.1035G>A on transcript NM_000601.6 (MANE Select); coding-DNA position 1035, G replaced by A.
Protein change: p.Lys345=; no amino-acid change (lysine 345 retained).
Molecular consequence: synonymous variant.
Genome position (GRCh38, 1-based): chr7:81,729,610, C>T on the plus strand (G>A on the coding strand, the complement: HGF is on the minus strand). VCF-style: chr7-81729610-C-T. GRCh37 (hg19) VCF-style: chr7-81358926-C-T.
Other names: c.1020G>A, p.Lys340= (NM_001010932.3).
Identifiers: ClinVar variation 2657638 (VCV002657638.24), dbSNP rs751786738, ClinGen allele CA4317009.